The following is an entry in ClinVar:

ClinVar aggregate classification (germline): Uncertain significance (1 of 4 stars; one submission).

Submission:

Women's Health and Genetics/Laboratory Corporation of America, LabCorp
Classification: Uncertain significance. Last evaluated: 2025-06-16. Review status: criteria provided, single submitter. Criteria: LabCorp Variant Classification Summary - May 2015. Collection method: clinical testing. Allele origin: germline.
Comment: Variant summary: PRDM5 c.748G>C (p.Glu250Gln) results in a conservative amino acid change in the encoded protein sequence. Algorithms developed to predict the effect of missense changes on protein structure and function are either unavailable or do not agree on the potential impact of this missense change. The variant was absent in 250798 control chromosomes. The available data on variant occurrences in the general population are insufficient to allow any conclusion about variant significance. To our knowledge, no occurrence of c.748G>C in individuals affected with Brittle cornea syndrome 2 and no experimental evidence demonstrating its impact on protein function have been reported. No submitters have cited clinical-significance assessments for this variant to ClinVar. Based on the evidence outlined above, the variant was classified as uncertain significance.

NM_018699.4(PRDM5):c.748G>C (p.Glu250Gln)

Gene: PRDM5 (PR/SET domain 5; minus strand). Cytogenetic location: 4q27.
Variant type: single nucleotide variant.
Coding change: c.748G>C on transcript NM_018699.4 (MANE Select); coding-DNA position 748, G replaced by C.
Protein change: p.Glu250Gln; replaces glutamic acid 250 with glutamine.
Molecular consequence: missense variant.
Genome position (GRCh38, 1-based): chr4:120,816,570, C>G on the plus strand (G>C on the coding strand, the complement: PRDM5 is on the minus strand). VCF-style: chr4-120816570-C-G. GRCh37 (hg19) VCF-style: chr4-121737725-C-G.
Other names: c.655G>C, p.Glu219Gln (NM_001300823.2, NM_001300824.2, NM_001379106.1); c.748G>C, p.Glu250Gln (NM_001379104.1); short protein forms E219Q, E250Q.
Identifiers: ClinVar variation 3907089 (VCV003907089.1).